The following is an entry in ClinVar:

ClinVar aggregate classification (germline): Pathogenic/Likely pathogenic. Review status: criteria provided, multiple submitters, no conflicts (2 of 4 stars). 5 submissions from 5 submitters: Pathogenic (3); Likely pathogenic (2). Last evaluated 2024-02-15.

Conditions:
DNM1-related disorders.
Developmental and epileptic encephalopathy, 31A. Also called: Developmental and epileptic encephalopathy, 31; Epileptic encephalopathy, early infantile, 31. Identifiers: Orphanet 2382, MedGen C4225357, MONDO:0014598, OMIM 616346.
Cerebellar ataxia. Identifiers: Orphanet 102002, MedGen C0007758, MONDO:0000437.
Epileptic encephalopathy. Identifiers: MedGen C0543888, HP:0200134.
Hypotonia. Also called: poor muscle tone; Muscular hypotonia. Identifiers: MedGen C0026827, HP:0001252.
Seizure. Also called: Seizures. Identifiers: MedGen C0036572, HP:0001250.
Stereotypic movement disorder. Also called: Stereotypies; stereotyped movement disorder. Identifiers: MedGen C0038273, MONDO:0002265.
Global developmental delay (DD). Also called: Cognitive delay. Identifiers: MedGen C0557874, HP:0001263. Disease mechanism: loss of function.

Submissions (5):

Labcorp Genetics (formerly Invitae), Labcorp
Classification: Pathogenic for Developmental and epileptic encephalopathy, 31A. Last evaluated: 2024-02-15. Review status: criteria provided, single submitter. Criteria: Invitae Variant Classification Sherloc (09022015). Collection method: clinical testing. Allele origin: germline.
Comment: This sequence change replaces valine, which is neutral and non-polar, with methionine, which is neutral and non-polar, at codon 47 of the DNM1 protein (p.Val47Met). This variant is not present in population databases (gnomAD no frequency). This missense change has been observed in individual(s) with autosomal dominant DNM1-related conditions (PMID: 28554332, 34386584). In at least one individual the variant was observed to be de novo. ClinVar contains an entry for this variant (Variation ID: 224142). Advanced modeling of protein sequence and biophysical properties (such as structural, functional, and spatial information, amino acid conservation, physicochemical variation, residue mobility, and thermodynamic stability) performed at Invitae indicates that this missense variant is expected to disrupt DNM1 protein function with a positive predictive value of 80%. For these reasons, this variant has been classified as Pathogenic.

GeneDx
Classification: Pathogenic. Last evaluated: 2022-03-08. Review status: criteria provided, single submitter. Criteria: GeneDx Variant Classification Process June 2021. Collection method: clinical testing. Allele origin: germline. Affected: yes.
Comment: In silico analysis supports that this missense variant has a deleterious effect on protein structure/function; Not observed at significant frequency in large population cohorts (gnomAD); This variant is associated with the following publications: (PMID: 28554332, 34386584)

Blueprint Genetics
Classification: Likely pathogenic for DNM1-related disorders. Last evaluated: 2021-06-18. Review status: criteria provided, single submitter. Criteria: ACMG Guidelines, 2015. Collection method: clinical testing. Allele origin: germline. Affected: yes. Observed: 1 variant allele.

Centre for Mendelian Genomics, University Medical Centre Ljubljana
Classification: Likely pathogenic for Ataxia; Epileptic encephalopathy; Global developmental delay; Hypotonia; Seizure; Motor stereotypies. Last evaluated: 2017-01-01. Review status: criteria provided, single submitter. Criteria: ACMG Guidelines, 2015. Collection method: clinical testing. Allele origin: unknown. Affected: yes.

HudsonAlpha Institute for Biotechnology
Classification: Pathogenic for Developmental and epileptic encephalopathy, 31A. Last evaluated: 2015-08-07. Review status: criteria provided, single submitter. Criteria: HA_assertions_20161101. Collection method: research. Allele origin: de novo. Affected: yes. Study: CSER-HudsonAlpha.

Literature cited by the submitters: PubMed 28554332 (cited by Labcorp Genetics (formerly Invitae), Labcorp); PubMed 34386584 (cited by Labcorp Genetics (formerly Invitae), Labcorp).

NM_004408.4(DNM1):c.139G>A (p.Val47Met)

Genes: CIZ1 (CDKN1A interacting zinc finger protein 1; minus strand), DNM1 (dynamin 1; plus strand). Cytogenetic location: 9q34.11.
Variant type: single nucleotide variant.
Coding change: c.139G>A on transcript NM_004408.4 (MANE Select); coding-DNA position 139, G replaced by A.
Protein change: p.Val47Met; replaces valine 47 with methionine.
Molecular consequence: missense variant. On other transcripts: intron variant (2).
Genome position (GRCh38, 1-based): chr9:128,203,609, G>A. VCF-style: chr9-128203609-G-A. GRCh37 (hg19) VCF-style: chr9-130965888-G-A.
Other names: c.139G>A, p.Val47Met (NM_001005336.3, NM_001288737.2, NM_001288738.2 and 2 more transcripts); c.-6+577C>T (NM_001131015.2, NM_012127.3); short protein forms V47M.
Identifiers: ClinVar variation 224142 (VCV000224142.11), dbSNP rs869312702, ClinGen allele CA354188.
Genomic context (GRCh38, chr9:128,203,609, plus strand): 5'-GCGGACCTCGACCTGCCGCAGATCGCTGTGGTGGGCGGCCAGAGCGCCGGCAAGAGCTCG[G>A]TGCTCGAGAATTTCGTAGGCAGGTAGGCGCGGCGCGCCCCCAGGCGCCGACCCCCGACCC-3'
Protein context (NP_004399.2, residues 37-57): VGGQSAGKSS[Val47Met]LENFVGRDFL